The following is an entry in ClinVar:

NM_001384474.1(LOXHD1):c.4798G>A (p.Ala1600Thr)

Gene: LOXHD1 (lipoxygenase homology PLAT domains 1; minus strand). Cytogenetic location: 18q21.1.
Variant type: single nucleotide variant.
Coding change: c.4798G>A on transcript NM_001384474.1 (MANE Select); coding-DNA position 4798, G replaced by A.
Protein change: p.Ala1600Thr; replaces alanine 1600 with threonine.
Molecular consequence: missense variant.
Genome position (GRCh38, 1-based): chr18:46,524,544, C>T on the plus strand (G>A on the coding strand, the complement: LOXHD1 is on the minus strand). VCF-style: chr18-46524544-C-T. GRCh37 (hg19) VCF-style: chr18-44104507-C-T.
Other names: c.1465G>A, p.Ala489Thr (NM_001145472.3); c.1177G>A, p.Ala393Thr (NM_001308013.2); c.4798G>A, p.Ala1600Thr (NM_144612.7); short protein forms A1600T, A393T, A489T.
Identifiers: ClinVar variation 1448589 (VCV001448589.5), dbSNP rs1412765114, ClinGen allele CA402372687.

ClinVar aggregate classification (germline): Conflicting classifications of pathogenicity. Review status: criteria provided, conflicting classifications (1 of 4 stars). 3 submissions from 3 submitters: Uncertain significance (2); Likely benign (1). Last evaluated 2025-04-18.

Conditions:
Inborn genetic diseases. Identifiers: MedGen C0950123, MeSH D030342.

Allele frequency attached by ClinVar (database versions not stated): gnomAD exomes 0.00004 and 0.00001.
gnomAD v4.1: 58 of 1,551,578 alleles (0.0037%); highest among the groups gnomAD compares: Non-Finnish European, 0.0043%; no homozygotes.

Submissions (3):

Ambry Genetics
Classification: Likely benign for Inborn genetic diseases. Last evaluated: 2025-04-18. Review status: criteria provided, single submitter. Criteria: Ambry Variant Classification Scheme 2023. Collection method: clinical testing. Allele origin: germline.

GeneDx
Classification: Uncertain significance. Last evaluated: 2022-02-10. Review status: criteria provided, single submitter. Criteria: GeneDx Variant Classification Process June 2021. Collection method: clinical testing. Allele origin: germline. Affected: yes.
Comment: In silico analysis supports that this missense variant does not alter protein structure/function; Has not been previously published as pathogenic or benign to our knowledge

Labcorp Genetics (formerly Invitae), Labcorp
Classification: Uncertain significance. Last evaluated: 2022-01-07. Review status: criteria provided, single submitter. Criteria: Invitae Variant Classification Sherloc (09022015). Collection method: clinical testing. Allele origin: germline.
Comment: This sequence change replaces alanine, which is neutral and non-polar, with threonine, which is neutral and polar, at codon 1600 of the LOXHD1 protein (p.Ala1600Thr). This variant is present in population databases (no rsID available, gnomAD 0.005%). This variant has not been reported in the literature in individuals affected with LOXHD1-related conditions. Algorithms developed to predict the effect of missense changes on protein structure and function output the following: SIFT: "Tolerated"; PolyPhen-2: "Benign"; Align-GVGD: "Class C0". The threonine amino acid residue is found in multiple mammalian species, which suggests that this missense change does not adversely affect protein function. In summary, the available evidence is currently insufficient to determine the role of this variant in disease. Therefore, it has been classified as a Variant of Uncertain Significance.